The following is an entry in ClinVar:

NM_025144.4(ALPK1):c.378A>T (p.Lys126Asn)

Gene: ALPK1 (alpha kinase 1; plus strand). Cytogenetic location: 4q25.
Variant type: single nucleotide variant.
Coding change: c.378A>T on transcript NM_025144.4 (MANE Select); coding-DNA position 378, A replaced by T.
Protein change: p.Lys126Asn; replaces lysine 126 with asparagine.
Molecular consequence: missense variant.
Genome position (GRCh38, 1-based): chr4:112,411,928, A>T. VCF-style: chr4-112411928-A-T. GRCh37 (hg19) VCF-style: chr4-113333084-A-T.
Other names: c.378A>T, p.Lys126Asn (NM_001102406.2); c.144A>T, p.Lys48Asn (NM_001253884.2); short protein forms K48N, K126N.
Identifiers: ClinVar variation 3858434 (VCV003858434.2).

ClinVar aggregate classification (germline): Uncertain significance. Review status: criteria provided, multiple submitters, no conflicts (2 of 4 stars). 2 submissions from 2 submitters: Uncertain significance (2). Last evaluated 2025-02-27.

Conditions:
Inborn genetic diseases. Identifiers: MedGen C0950123, MeSH D030342.

gnomAD v4.1: 10 of 1,613,030 alleles (0.00062%); highest among the groups gnomAD compares: South Asian, 0.0066%; no homozygotes.

Submissions (2):

Labcorp Genetics (formerly Invitae), Labcorp
Classification: Uncertain significance. Last evaluated: 2025-02-27. Review status: criteria provided, single submitter. Criteria: Invitae Variant Classification Sherloc (09022015). Collection method: clinical testing. Allele origin: germline.
Comment: This sequence change replaces lysine, which is basic and polar, with asparagine, which is neutral and polar, at codon 126 of the ALPK1 protein (p.Lys126Asn). This variant is present in population databases (no rsID available, gnomAD 0.01%). This variant has not been reported in the literature in individuals affected with ALPK1-related conditions. Invitae Evidence Modeling of protein sequence and biophysical properties (such as structural, functional, and spatial information, amino acid conservation, physicochemical variation, residue mobility, and thermodynamic stability) indicates that this missense variant is not expected to disrupt ALPK1 protein function with a negative predictive value of 80%. In summary, the available evidence is currently insufficient to determine the role of this variant in disease. Therefore, it has been classified as a Variant of Uncertain Significance.

Ambry Genetics
Classification: Uncertain significance for Inborn genetic diseases. Last evaluated: 2025-02-08. Review status: criteria provided, single submitter. Criteria: Ambry Variant Classification Scheme 2023. Collection method: clinical testing. Allele origin: germline.